The following is an entry in ClinVar:

NM_000426.4(LAMA2):c.3019C>T (p.Gln1007Ter)

Gene: LAMA2 (laminin subunit alpha 2; plus strand). Cytogenetic location: 6q22.33.
Variant type: single nucleotide variant.
Coding change: c.3019C>T on transcript NM_000426.4 (MANE Select); coding-DNA position 3019, C replaced by T.
Protein change: p.Gln1007Ter; replaces glutamine 1007 with a stop codon.
Molecular consequence: nonsense.
Genome position (GRCh38, 1-based): chr6:129,297,847, C>T. VCF-style: chr6-129297847-C-T. GRCh37 (hg19) VCF-style: chr6-129618992-C-T.
Other names: c.3019C>T, p.Gln1007Ter (NM_001079823.2); short protein forms Q1007*.
Identifiers: ClinVar variation 983635 (VCV000983635.5), dbSNP rs752094219, ClinGen allele CA3993131.
Genomic context (GRCh38, chr6:129,297,847, plus strand): 5'-TGCCAACCTGGAGTCACAGGGAAGAAATGTGACCGCTGTGCCCACGGCTATTTCAACTTC[C>T]AAGAAGGAGGCTGCACAGGTCTGTAAATATGACTTAAGTCCTACATATTCACTCTGATAG-3'

ClinVar aggregate classification (germline): Likely pathogenic. Review status: criteria provided, multiple submitters, no conflicts (2 of 4 stars). 2 submissions from 2 submitters: Likely pathogenic (2). Last evaluated 2022-08-04.

Conditions:
Merosin deficient congenital muscular dystrophy (MDC1A). Also called: Congenital merosin-deficient muscular dystrophy 1A; Congenital Muscular Dystrophy Type 1A (MDC1A). Identifiers: Orphanet 258, MedGen C1263858, MONDO:0011925, OMIM 607855.
LAMA2-related muscular dystrophy (LAMA2-RD). Also called: Laminin alpha 2-related dystrophy. Identifiers: MedGen C5679788, MONDO:0100228.

Allele frequency attached by ClinVar (database versions not stated): ExAC 0.00001; gnomAD exomes below 0.00001; gnomAD 0.00001.
gnomAD v4.1: 2 of 1,613,652 alleles (0.00012%); highest among the groups gnomAD compares: Non-Finnish European, 0.00017%; no homozygotes.

Submissions (2):

Baylor Genetics
Classification: Likely pathogenic for Merosin deficient congenital muscular dystrophy. Last evaluated: 2022-08-04. Review status: criteria provided, single submitter. Criteria: ACMG Guidelines, 2015. Collection method: clinical testing. Allele origin: unknown.

Myriad Genetics, Inc.
Classification: Likely pathogenic for LAMA2-related muscular dystrophy. Last evaluated: 2019-01-16. Review status: criteria provided, single submitter. Criteria: Myriad Autosomal Dominant, Autosomal Recessive and X-Linked Classification Criteria (2023). Collection method: clinical testing. Allele origin: unknown.
Comment: NM_000426.3(LAMA2):c.3019C>T(Q1007*) is expected to be pathogenic in the context of LAMA2-related muscular dystrophy. This variant is predicted to lead to an abnormal or absent protein product due to the creation of a premature termination codon in LAMA2, a gene where loss-of-function variants are known to be pathogenic. Please note: this variant was assessed in the context of healthy population screening.